The following is an entry in ClinVar:

NM_001844.5(COL2A1):c.3534T>C (p.Asn1178=)

Gene: COL2A1 (collagen type II alpha 1 chain; minus strand). Cytogenetic location: 12q13.11.
Variant type: single nucleotide variant.
Coding change: c.3534T>C on transcript NM_001844.5 (MANE Select); coding-DNA position 3534, T replaced by C.
Protein change: p.Asn1178=; no amino-acid change (asparagine 1178 retained).
Molecular consequence: synonymous variant.
Genome position (GRCh38, 1-based): chr12:47,976,026, A>G on the plus strand (T>C on the coding strand, the complement: COL2A1 is on the minus strand). VCF-style: chr12-47976026-A-G. GRCh37 (hg19) VCF-style: chr12-48369809-A-G.
Other names: c.3327T>C, p.Asn1109= (NM_033150.3).
Identifiers: ClinVar variation 508511 (VCV000508511.19), dbSNP rs34613777, ClinGen allele CA6534712.

ClinVar aggregate classification (germline): Benign/Likely benign. Review status: criteria provided, multiple submitters, no conflicts (2 of 4 stars). 8 submissions from 7 submitters: Benign (4); Likely benign (2). 2 of the submissions do not count toward it. Last evaluated 2026-04-14.

Conditions:
Stickler syndrome type 1 (STL1). Also called: STICKLER SYNDROME, MEMBRANOUS VITREOUS TYPE; STICKLER SYNDROME, VITREOUS TYPE 1; ARTHROOPHTHALMOPATHY, HEREDITARY PROGRESSIVE; COL2A1-Related Stickler Syndrome. Identifiers: Orphanet 828, Orphanet 90653, MedGen C2020284, MONDO:0007160, OMIM 108300.
Type 2 collagenopathy. Identifiers: Orphanet 93421, MedGen C2931073, MONDO:0022800.

Allele frequency attached by ClinVar (database versions not stated): gnomAD exomes 0.00012 and 0.00031; ExAC 0.00037; gnomAD 0.00130 and 0.00138; 1000 Genomes Project 30x 0.00141; ESP Exome Variant Server 0.00146; 1000 Genomes Project 0.00160; TOPMed 0.00131.
gnomAD v4.1: 374 of 1,614,170 alleles (0.023%); highest among the groups gnomAD compares: African/African-American, 0.46%; no homozygotes.

Submissions (8):

Women's Health and Genetics/Laboratory Corporation of America, LabCorp
Classification: Benign. Last evaluated: 2026-04-14. Review status: criteria provided, single submitter. Criteria: LabCorp Variant Classification Summary - May 2015. Collection method: clinical testing. Allele origin: germline.

Labcorp Genetics (formerly Invitae), Labcorp
Classification: Benign. Last evaluated: 2026-01-06. Review status: criteria provided, single submitter. Criteria: Invitae Variant Classification Sherloc (09022015). Collection method: clinical testing. Allele origin: germline.

Blueprint Genetics
Classification: Likely benign. Last evaluated: 2024-07-19. Review status: criteria provided, single submitter. Criteria: ACMG Guidelines, 2015. Collection method: clinical testing. Allele origin: germline.

GeneDx
Classification: Benign. Last evaluated: 2018-02-26. Review status: criteria provided, single submitter. Criteria: GeneDx Variant Classification (06012015). Collection method: clinical testing. Allele origin: germline. Affected: yes.
Comment: This variant is considered likely benign or benign based on one or more of the following criteria: it is a conservative change, it occurs at a poorly conserved position in the protein, it is predicted to be benign by multiple in silico algorithms, and/or has population frequency not consistent with disease.

Illumina Laboratory Services, Illumina
Classification: Benign for Type II Collagenopathies. Last evaluated: 2018-01-12. Review status: criteria provided, single submitter. Criteria: ICSL Variant Classification Criteria 13 December 2019. Collection method: clinical testing. Allele origin: germline.
Comment: This variant was observed in the ICSL laboratory as part of a predisposition screen in an ostensibly healthy population. It had not been previously curated by ICSL or reported in the Human Gene Mutation Database (HGMD: prior to June 1st, 2018), and was therefore a candidate for classification through an automated scoring system. Utilizing variant allele frequency, disease prevalence and penetrance estimates, and inheritance mode, an automated score was calculated to assess if this variant is too frequent to cause the disease. Based on the score and internal cut-off values, a variant classified as benign is not then subjected to further curation. The score for this variant resulted in a classification of benign for this disease.

Illumina Laboratory Services, Illumina
Classification: Likely benign for Stickler syndrome type 1. Last evaluated: 2018-01-12. Review status: criteria provided, single submitter. Criteria: ICSL Variant Classification Criteria 13 December 2019. Collection method: clinical testing. Allele origin: germline.
Comment: This variant was observed in the ICSL laboratory as part of a predisposition screen in an ostensibly healthy population. It had not been previously curated by ICSL or reported in the Human Gene Mutation Database (HGMD: prior to June 1st, 2018), and was therefore a candidate for classification through an automated scoring system. Utilizing variant allele frequency, disease prevalence and penetrance estimates, and inheritance mode, an automated score was calculated to assess if this variant is too frequent to cause the disease. Based on the score and internal cut-off values, a variant classified as likely benign is not then subjected to further curation. The score for this variant resulted in a classification of likely benign for this disease.

Clinical Genetics DNA and cytogenetics Diagnostics Lab, Erasmus MC, Erasmus Medical Center
Classification: Likely benign. Review status: no assertion criteria provided. Collection method: clinical testing. Allele origin: germline. Affected: yes. Study: VKGL Data-share Consensus. Not counted in ClinVar's aggregate classification.

Clinical Genetics, Academic Medical Center
Classification: Benign. Review status: no assertion criteria provided. Collection method: clinical testing. Allele origin: germline. Affected: yes. Study: VKGL Data-share Consensus. Not counted in ClinVar's aggregate classification.